The following is an entry in ClinVar:

ClinVar aggregate classification (germline): Uncertain significance. Review status: criteria provided, multiple submitters, no conflicts (2 of 4 stars). 2 submissions from 2 submitters: Uncertain significance (2). Last evaluated 2024-10-16.

Conditions:
Norman-Roberts syndrome (LIS2). Also called: Lissencephaly 2 (Norman-Roberts type). Identifiers: Orphanet 89844, MedGen C0796089, MONDO:0009760, OMIM 257320.
Familial temporal lobe epilepsy 7. Identifiers: Orphanet 101046, MedGen C4225327, MONDO:0014639, OMIM 616436.

Allele frequency attached by ClinVar (database versions not stated): gnomAD exomes 0.00002; TOPMed 0.00002; ESP Exome Variant Server 0.00008.
gnomAD v4.1: 35 of 1,613,488 alleles (0.0022%); highest among the groups gnomAD compares: Non-Finnish European, 0.0027%; no homozygotes.

Submissions (2):

Labcorp Genetics (formerly Invitae), Labcorp
Classification: Uncertain significance for Familial temporal lobe epilepsy 7; Norman-Roberts syndrome. Last evaluated: 2024-10-16. Review status: criteria provided, single submitter. Criteria: Invitae Variant Classification Sherloc (09022015). Collection method: clinical testing. Allele origin: germline.
Comment: This sequence change replaces methionine, which is neutral and non-polar, with arginine, which is basic and polar, at codon 3140 of the RELN protein (p.Met3140Arg). This variant is present in population databases (rs368644580, gnomAD 0.006%). This variant has not been reported in the literature in individuals affected with RELN-related conditions. ClinVar contains an entry for this variant (Variation ID: 2068675). Invitae Evidence Modeling of protein sequence and biophysical properties (such as structural, functional, and spatial information, amino acid conservation, physicochemical variation, residue mobility, and thermodynamic stability) indicates that this missense variant is not expected to disrupt RELN protein function with a negative predictive value of 80%. In summary, the available evidence is currently insufficient to determine the role of this variant in disease. Therefore, it has been classified as a Variant of Uncertain Significance.

Greenwood Genetic Center Diagnostic Laboratories, Greenwood Genetic Center
Classification: Uncertain significance. Last evaluated: 2023-04-25. Review status: criteria provided, single submitter. Criteria: ACMG Guidelines, 2015. Collection method: clinical testing. Allele origin: germline. Affected: yes.
Comment: PM2

NM_005045.4(RELN):c.9419T>G (p.Met3140Arg)

Genes: SLC26A5-AS1 (SLC26A5 antisense RNA 1; plus strand), RELN (reelin; minus strand). Cytogenetic location: 7q22.1.
Variant type: single nucleotide variant.
Coding change: c.9419T>G on transcript NM_005045.4 (MANE Select); coding-DNA position 9419, T replaced by G.
Protein change: p.Met3140Arg; replaces methionine 3140 with arginine.
Molecular consequence: missense variant.
Genome position (GRCh38, 1-based): chr7:103,491,977, A>C on the plus strand (T>G on the coding strand, the complement: RELN is on the minus strand). VCF-style: chr7-103491977-A-C. GRCh37 (hg19) VCF-style: chr7-103132424-A-C.
Other names: c.9419T>G, p.Met3140Arg (NM_173054.3); short protein forms M3140R.
Identifiers: ClinVar variation 2068675 (VCV002068675.5), dbSNP rs368644580, ClinGen allele CA4420230.